The following is an entry in ClinVar:

NM_001253697.2(ERBIN):c.2884A>G (p.Thr962Ala)

Gene: ERBIN (erbb2 interacting protein; plus strand). Cytogenetic location: 5q12.3.
Variant type: single nucleotide variant.
Coding change: c.2884A>G on transcript NM_001253697.2 (MANE Select); coding-DNA position 2884, A replaced by G.
Protein change: p.Thr962Ala; replaces threonine 962 with alanine.
Molecular consequence: missense variant.
Genome position (GRCh38, 1-based): chr5:66,054,202, A>G. VCF-style: chr5-66054202-A-G. GRCh37 (hg19) VCF-style: chr5-65350030-A-G.
Other names: c.2884A>G (NM_001006600.2); c.2884A>G, p.Thr962Ala (NM_001006600.3, NM_001253698.2, NM_001253699.2 and 1 more transcripts); c.2872A>G, p.Thr958Ala (NM_001253701.2); short protein forms T958A, T962A.
Identifiers: ClinVar variation 1405153 (VCV001405153.9), dbSNP rs751934052, ClinGen allele CA3286557.

ClinVar aggregate classification (germline): Uncertain significance. Review status: criteria provided, multiple submitters, no conflicts (2 of 4 stars). 3 submissions from 3 submitters: Uncertain significance (2). 1 of the submissions does not count toward it. Last evaluated 2025-12-18.

Conditions:
ERBIN-related disorder. Also called: ERBIN-related condition.

Allele frequency attached by ClinVar (database versions not stated): ExAC 0.00001; gnomAD exomes 0.00001; gnomAD 0.00003; TOPMed 0.00008.
gnomAD v4.1: 28 of 1,614,054 alleles (0.0017%); highest among the groups gnomAD compares: Admixed American, 0.015%; no homozygotes.

Submissions (3):

Labcorp Genetics (formerly Invitae), Labcorp
Classification: Uncertain significance. Last evaluated: 2025-12-18. Review status: criteria provided, single submitter. Criteria: Invitae Variant Classification Sherloc (09022015). Collection method: clinical testing. Allele origin: germline.
Comment: This sequence change replaces threonine, which is neutral and polar, with alanine, which is neutral and non-polar, at codon 962 of the ERBIN protein (p.Thr962Ala). This variant is present in population databases (rs751934052, gnomAD 0.002%). This variant has not been reported in the literature in individuals affected with ERBIN-related conditions. ClinVar contains an entry for this variant (Variation ID: 1405153). An algorithm developed to predict the effect of missense changes on protein structure and function outputs the following: PolyPhen-2: "Benign". The alanine amino acid residue is found in multiple mammalian species, which suggests that this missense change does not adversely affect protein function. In summary, the available evidence is currently insufficient to determine the role of this variant in disease. Therefore, it has been classified as a Variant of Uncertain Significance.

Breakthrough Genomics
Classification: Uncertain significance. Review status: criteria provided, single submitter. Criteria: ACMG Guidelines, 2015. Collection method: not provided. Allele origin: germline. Inheritance: Unknown mechanism. Affected: yes.

PreventionGenetics, part of Exact Sciences
Classification: Uncertain significance for ERBIN-related condition. Last evaluated: 2023-11-08. Review status: no assertion criteria provided. Collection method: clinical testing. Allele origin: germline. Not counted in ClinVar's aggregate classification.
Comment: The ERBIN c.2884A>G variant is predicted to result in the amino acid substitution p.Thr962Ala. To our knowledge, this variant has not been reported in the literature. This variant is reported in 0.0029% of alleles in individuals of Latino descent in gnomAD. At this time, the clinical significance of this variant is uncertain due to the absence of conclusive functional and genetic evidence.